The following is an entry in ClinVar:

NM_001130144.3(LTBP3):c.1378G>A (p.Gly460Arg)

Gene: LTBP3 (latent transforming growth factor beta binding protein 3; minus strand). Cytogenetic location: 11q13.1.
Variant type: single nucleotide variant.
Coding change: c.1378G>A on transcript NM_001130144.3 (MANE Select); coding-DNA position 1378, G replaced by A.
Protein change: p.Gly460Arg; replaces glycine 460 with arginine.
Molecular consequence: missense variant.
Genome position (GRCh38, 1-based): chr11:65,552,125, C>T on the plus strand (G>A on the coding strand, the complement: LTBP3 is on the minus strand). VCF-style: chr11-65552125-C-T. GRCh37 (hg19) VCF-style: chr11-65319596-C-T.
Other names: c.1027G>A, p.Gly343Arg (NM_001164266.1); c.1378G>A, p.Gly460Arg (NM_021070.4); c.1378G>A (NM_001130144.2); short protein forms G343R, G460R.
Identifiers: ClinVar variation 1516751 (VCV001516751.9), dbSNP rs2135153807, ClinGen allele CA381273542.

ClinVar aggregate classification (germline): Uncertain significance. Review status: criteria provided, multiple submitters, no conflicts (2 of 4 stars). 2 submissions from 2 submitters: Uncertain significance (2). Last evaluated 2026-04-23.

Conditions:
Brachyolmia-amelogenesis imperfecta syndrome. Also called: PLATYSPONDYLY WITH AMELOGENESIS IMPERFECTA; Tooth agenesis, selective, 6; Dental anomalies and short stature. Identifiers: Orphanet 2899, MedGen C1832594, MONDO:0011018, OMIM 601216. Disease mechanism: loss of function.
Inborn genetic diseases. Identifiers: MedGen C0950123, MeSH D030342.

Submissions (2):

Ambry Genetics
Classification: Uncertain significance for Inborn genetic diseases. Last evaluated: 2026-04-23. Review status: criteria provided, single submitter. Criteria: Ambry Variant Classification Scheme 2023. Collection method: clinical testing. Allele origin: germline.
Comment: The p.G460R variant (also known as c.1378G>A), located in coding exon 8 of the LTBP3 gene, results from a G to A substitution at nucleotide position 1378. The glycine at codon 460 is replaced by arginine, an amino acid with dissimilar properties. This amino acid position is conserved. In addition, this alteration is predicted to be deleterious by in silico analysis. Based on the available evidence, the clinical significance of this variant remains unclear.

Labcorp Genetics (formerly Invitae), Labcorp
Classification: Uncertain significance for Brachyolmia-amelogenesis imperfecta syndrome. Last evaluated: 2021-03-15. Review status: criteria provided, single submitter. Criteria: Invitae Variant Classification Sherloc (09022015). Collection method: clinical testing. Allele origin: germline.
Comment: In summary, the available evidence is currently insufficient to determine the role of this variant in disease. Therefore, it has been classified as a Variant of Uncertain Significance. Algorithms developed to predict the effect of missense changes on protein structure and function are either unavailable or do not agree on the potential impact of this missense change (SIFT: "Deleterious"; PolyPhen-2: "Probably Damaging"; Align-GVGD: "Class C15"). This variant has not been reported in the literature in individuals with LTBP3-related conditions. This variant is not present in population databases (ExAC no frequency). This sequence change replaces glycine with arginine at codon 460 of the LTBP3 protein (p.Gly460Arg). The glycine residue is highly conserved and there is a moderate physicochemical difference between glycine and arginine.